The following is an entry in ClinVar:

ClinVar aggregate classification (germline): Conflicting classifications of pathogenicity. Review status: criteria provided, conflicting classifications (1 of 4 stars). 6 submissions from 6 submitters: Uncertain significance (4); Likely benign (2). Last evaluated 2025-11-18.

Conditions:
Neuroblastoma, susceptibility to, 3. Also called: ALK-Related Neuroblastic Tumor Susceptibility. Identifiers: Orphanet 635, MedGen C2751681, MONDO:0013083, OMIM 613014.
Hereditary cancer-predisposing syndrome. Also called: Tumor predisposition; Hereditary Cancer Syndrome; Neoplastic Syndromes, Hereditary; Hereditary neoplastic syndrome. Identifiers: Orphanet 140162, MedGen C0027672, MeSH D009386, MONDO:0015356.

Allele frequency attached by ClinVar (database versions not stated): gnomAD exomes 0.00002 and 0.00005; gnomAD 0.00003 and 0.00004; ExAC 0.00004; TOPMed 0.00005; ESP Exome Variant Server 0.00015; 1000 Genomes Project 30x 0.00016; 1000 Genomes Project 0.00020.
gnomAD v4.1: 41 of 1,613,932 alleles (0.0025%); highest among the groups gnomAD compares: Admixed American, 0.015%; no homozygotes.

Submissions (6):

Labcorp Genetics (formerly Invitae), Labcorp
Classification: Uncertain significance for Neuroblastoma, susceptibility to, 3. Last evaluated: 2025-11-18. Review status: criteria provided, single submitter. Criteria: Invitae Variant Classification Sherloc (09022015). Collection method: clinical testing. Allele origin: germline.
Comment: This sequence change replaces glutamic acid, which is acidic and polar, with aspartic acid, which is acidic and polar, at codon 310 of the ALK protein (p.Glu310Asp). This variant is present in population databases (rs367712624, gnomAD 0.009%). This variant has not been reported in the literature in individuals affected with ALK-related conditions. ClinVar contains an entry for this variant (Variation ID: 335709). An algorithm developed to predict the effect of missense changes on protein structure and function (PolyPhen-2) suggests that this variant is likely to be tolerated. In summary, the available evidence is currently insufficient to determine the role of this variant in disease. Therefore, it has been classified as a Variant of Uncertain Significance.

Ambry Genetics
Classification: Likely benign for Hereditary cancer-predisposing syndrome. Last evaluated: 2024-12-09. Review status: criteria provided, single submitter. Criteria: Ambry Variant Classification Scheme 2023. Collection method: clinical testing. Allele origin: germline.

GeneDx
Classification: Uncertain significance. Last evaluated: 2024-02-23. Review status: criteria provided, single submitter. Criteria: GeneDx Variant Classification Process June 2021. Collection method: clinical testing. Allele origin: germline. Affected: yes.
Comment: In silico analysis supports that this missense variant does not alter protein structure/function; Has not been previously published as pathogenic or benign to our knowledge

Sema4
Classification: Likely benign for Hereditary cancer-predisposing syndrome. Last evaluated: 2022-01-18. Review status: criteria provided, single submitter. Criteria: Sema4 Curation Guidelines. Collection method: curation. Allele origin: germline.

Illumina Laboratory Services, Illumina
Classification: Uncertain significance for Neuroblastoma, susceptibility to, 3. Last evaluated: 2018-01-12. Review status: criteria provided, single submitter. Criteria: ICSL Variant Classification Criteria 13 December 2019. Collection method: clinical testing. Allele origin: germline.

Breakthrough Genomics
Classification: Uncertain significance. Review status: criteria provided, single submitter. Criteria: ACMG Guidelines, 2015. Collection method: not provided. Allele origin: germline. Inheritance: Unknown mechanism. Affected: yes.

NM_004304.5(ALK):c.930G>T (p.Glu310Asp)

Gene: ALK (ALK receptor tyrosine kinase; minus strand). Cytogenetic location: 2p23.2.
Variant type: single nucleotide variant.
Coding change: c.930G>T on transcript NM_004304.5 (MANE Select); coding-DNA position 930, G replaced by T.
Protein change: p.Glu310Asp; replaces glutamic acid 310 with aspartic acid.
Molecular consequence: missense variant.
Genome position (GRCh38, 1-based): chr2:29,694,872, C>A on the plus strand (G>T on the coding strand, the complement: ALK is on the minus strand). VCF-style: chr2-29694872-C-A. GRCh37 (hg19) VCF-style: chr2-29917738-C-A.
Other names: short protein forms E310D.
Identifiers: ClinVar variation 335709 (VCV000335709.17), dbSNP rs367712624, ClinGen allele CA1594812.